The following is an entry in ClinVar:

NM_006766.5(KAT6A):c.2088A>T (p.Lys696Asn)

Gene: KAT6A (lysine acetyltransferase 6A; minus strand). Cytogenetic location: 8p11.21.
Variant type: single nucleotide variant.
Coding change: c.2088A>T on transcript NM_006766.5 (MANE Select); coding-DNA position 2088, A replaced by T.
Protein change: p.Lys696Asn; replaces lysine 696 with asparagine.
Molecular consequence: missense variant.
Genome position (GRCh38, 1-based): chr8:41,943,888, T>A on the plus strand (A>T on the coding strand, the complement: KAT6A is on the minus strand). VCF-style: chr8-41943888-T-A. GRCh37 (hg19) VCF-style: chr8-41801406-T-A.
Other names: c.2088A>T, p.Lys696Asn (NM_001305878.2); short protein forms K696N.
Identifiers: ClinVar variation 3647501 (VCV003647501.2).

ClinVar aggregate classification (germline): Uncertain significance (1 of 4 stars; one submission).

Submission:

Labcorp Genetics (formerly Invitae), Labcorp
Classification: Uncertain significance. Last evaluated: 2024-03-24. Review status: criteria provided, single submitter. Criteria: Invitae Variant Classification Sherloc (09022015). Collection method: clinical testing. Allele origin: germline.
Comment: This sequence change replaces lysine, which is basic and polar, with asparagine, which is neutral and polar, at codon 696 of the KAT6A protein (p.Lys696Asn). This variant is not present in population databases (gnomAD no frequency). This variant has not been reported in the literature in individuals affected with KAT6A-related conditions. Advanced modeling of protein sequence and biophysical properties (such as structural, functional, and spatial information, amino acid conservation, physicochemical variation, residue mobility, and thermodynamic stability) performed at Invitae indicates that this missense variant is not expected to disrupt KAT6A protein function with a negative predictive value of 80%. In summary, the available evidence is currently insufficient to determine the role of this variant in disease. Therefore, it has been classified as a Variant of Uncertain Significance.